The following is an entry in ClinVar:

NM_003970.4(MYOM2):c.475C>T (p.Arg159Trp)

Gene: MYOM2 (myomesin 2; plus strand). Cytogenetic location: 8p23.3.
Variant type: single nucleotide variant.
Coding change: c.475C>T on transcript NM_003970.4 (MANE Select); coding-DNA position 475, C replaced by T.
Protein change: p.Arg159Trp; replaces arginine 159 with tryptophan.
Molecular consequence: missense variant.
Genome position (GRCh38, 1-based): chr8:2,057,695, C>T. VCF-style: chr8-2057695-C-T. GRCh37 (hg19) VCF-style: chr8-2005813-C-T.
Other names: short protein forms R159W.
Identifiers: ClinVar variation 3037217 (VCV003037217.2), dbSNP rs77888349, ClinGen allele CA170442120.

ClinVar aggregate classification (germline): Benign (0 of 4 stars; one submission).

Conditions:
MYOM2-related disorder. Also called: MYOM2-related condition.

Allele frequency attached by ClinVar (database versions not stated): gnomAD exomes 0.00049; ExAC 0.00168; gnomAD 0.00469; TOPMed 0.00523; ESP Exome Variant Server 0.00638; 1000 Genomes Project 0.00639; 1000 Genomes Project 30x 0.00640.
gnomAD v4.1: 1,453 of 1,614,084 alleles (0.09%); highest among the groups gnomAD compares: African/African-American, 1.7%; 15 homozygotes.

Submission:

PreventionGenetics, part of Exact Sciences
Classification: Benign for MYOM2-related condition. Last evaluated: 2019-04-01. Review status: no assertion criteria provided. Collection method: clinical testing. Allele origin: germline.
Comment: This variant is classified as benign based on ACMG/AMP sequence variant interpretation guidelines (Richards et al. 2015 PMID: 25741868, with internal and published modifications).